The following is an entry in ClinVar:

ClinVar aggregate classification (germline): Likely benign (1 of 4 stars; one submission).

Conditions:
Pheochromocytoma/paraganglioma syndrome 5. Also called: Paragangliomas 5; SDHA-Related Hereditary Paraganglioma-Pheochromocytoma Syndrome. Identifiers: Orphanet 29072, MedGen C3279992, MONDO:0013602, OMIM 614165.

Submission:

Myriad Genetics, Inc.
Classification: Likely benign for Pheochromocytoma/paraganglioma syndrome 5. Last evaluated: 2025-03-11. Review status: criteria provided, single submitter. Criteria: Myriad Autosomal Dominant, Autosomal Recessive and X-Linked Classification Criteria (2023). Collection method: clinical testing. Allele origin: unknown.
Comment: This variant is considered likely benign. This variant is intronic and is not expected to impact mRNA splicing.

NM_004168.4(SDHA):c.1908+7G>A

Gene: SDHA (succinate dehydrogenase complex flavoprotein subunit A; plus strand). Cytogenetic location: 5p15.33.
Variant type: single nucleotide variant.
Coding change: c.1908+7G>A on transcript NM_004168.4 (MANE Select); 7 bases into the intron after coding-DNA position 1908, G replaced by A.
Molecular consequence: intron variant.
Genome position (GRCh38, 1-based): chr5:254,513, G>A. VCF-style: chr5-254513-G-A. GRCh37 (hg19) VCF-style: chr5-254628-G-A.
Other names: c.1665+7G>A (NM_001330758.2); c.1764+7G>A (NM_001294332.2).
Identifiers: ClinVar variation 3904567 (VCV003904567.1).